The following is an entry in ClinVar:

ClinVar aggregate classification (germline): Uncertain significance. Review status: criteria provided, multiple submitters, no conflicts (2 of 4 stars). 2 submissions from 2 submitters: Uncertain significance (2). Last evaluated 2025-12-08.

Conditions:
Hereditary cancer-predisposing syndrome. Also called: Hereditary neoplastic syndrome; Neoplastic Syndromes, Hereditary; Tumor predisposition; Hereditary Cancer Syndrome. Identifiers: Orphanet 140162, MedGen C0027672, MeSH D009386, MONDO:0015356.
EGFR-related lung cancer (EGFR). Identifiers: MedGen CN130014.

Allele frequency attached by ClinVar (database versions not stated): ExAC 0.00001; gnomAD exomes 0.00001 and 0.00002; TOPMed 0.00002.
gnomAD v4.1: 18 of 1,614,194 alleles (0.0011%); highest among the groups gnomAD compares: Non-Finnish European, 0.0015%; no homozygotes.

Submissions (2):

Labcorp Genetics (formerly Invitae), Labcorp
Classification: Uncertain significance for EGFR-related lung cancer. Last evaluated: 2025-12-08. Review status: criteria provided, single submitter. Criteria: Invitae Variant Classification Sherloc (09022015). Collection method: clinical testing. Allele origin: germline.
Comment: This sequence change replaces threonine, which is neutral and polar, with arginine, which is basic and polar, at codon 572 of the EGFR protein (p.Thr572Arg). This variant is present in population databases (rs759987693, gnomAD 0.004%). This variant has not been reported in the literature in individuals affected with EGFR-related conditions. ClinVar contains an entry for this variant (Variation ID: 940363). Invitae Evidence Modeling of protein sequence and biophysical properties (such as structural, functional, and spatial information, amino acid conservation, physicochemical variation, residue mobility, and thermodynamic stability) indicates that this missense variant is not expected to disrupt EGFR protein function with a negative predictive value of 80%. In summary, the available evidence is currently insufficient to determine the role of this variant in disease. Therefore, it has been classified as a Variant of Uncertain Significance.

Ambry Genetics
Classification: Uncertain significance for Hereditary cancer-predisposing syndrome. Last evaluated: 2025-01-28. Review status: criteria provided, single submitter. Criteria: Ambry Variant Classification Scheme 2023. Collection method: clinical testing. Allele origin: germline.
Comment: The p.T572R variant (also known as c.1715C>G), located in coding exon 14 of the EGFR gene, results from a C to G substitution at nucleotide position 1715. The threonine at codon 572 is replaced by arginine, an amino acid with similar properties. This amino acid position is well conserved in available vertebrate species. In addition, this alteration is predicted to be tolerated by in silico analysis. Based on the available evidence, the clinical significance of this variant remains unclear.

NM_005228.5(EGFR):c.1715C>G (p.Thr572Arg)

Gene: EGFR (epidermal growth factor receptor; plus strand). Cytogenetic location: 7p11.2.
Variant type: single nucleotide variant.
Coding change: c.1715C>G on transcript NM_005228.5 (MANE Select); coding-DNA position 1715, C replaced by G.
Protein change: p.Thr572Arg; replaces threonine 572 with arginine.
Molecular consequence: missense variant.
Genome position (GRCh38, 1-based): chr7:55,163,816, C>G. VCF-style: chr7-55163816-C-G. GRCh37 (hg19) VCF-style: chr7-55231509-C-G.
Other names: c.1580C>G, p.Thr527Arg (NM_001346897.2, NM_001346899.2); c.1715C>G, p.Thr572Arg (NM_001346898.2, NM_201282.2, NM_201284.2); c.1556C>G, p.Thr519Arg (NM_001346900.2); c.914C>G, p.Thr305Arg (NM_001346941.2); short protein forms T519R, T527R, T305R, T572R.
Identifiers: ClinVar variation 940363 (VCV000940363.8), dbSNP rs759987693, ClinGen allele CA4265663.